The following is an entry in ClinVar:

ClinVar aggregate classification (germline): Benign. Review status: criteria provided, multiple submitters, no conflicts (2 of 4 stars). 8 submissions from 8 submitters: Benign (7). 1 of the submissions does not count toward it. Last evaluated 2026-04-14.

Conditions:
Familial intrahepatic cholestasis. Identifiers: Orphanet 284385, MedGen CN296401, MONDO:0017290.
Progressive familial intrahepatic cholestasis type 2. Identifiers: Orphanet 79304, MedGen C3489789, MONDO:0011156, OMIM 601847.

Allele frequency attached by ClinVar (database versions not stated): gnomAD exomes 0.00226 and 0.00582; ExAC 0.01293; ESP Exome Variant Server 0.02439; gnomAD 0.02481 and 0.02633; TOPMed 0.02843; 1000 Genomes Project 0.03295; 1000 Genomes Project 30x 0.03576.
gnomAD v4.1: 7,223 of 1,580,266 alleles (0.46%); highest among the groups gnomAD compares: African/African-American, 8.4%; 262 homozygotes.

Submissions (8):

Genomenon, Inc
Classification: Benign for Familial intrahepatic cholestasis. Last evaluated: 2026-04-14. Review status: criteria provided, single submitter. Criteria: Genomenon Sequence Variant Interpretation Standards - Updated. Collection method: curation. Allele origin: germline. Affected: no.
Comment: ABCB11 c.2412A>G is a synonymous variant that retains Alanine at residue 804. This variant is present at high allele frequency in population databases. In conclusion, we classify ABCB11 p.Ala804= (c.2412A>G) as a benign variant.

Labcorp Genetics (formerly Invitae), Labcorp
Classification: Benign. Last evaluated: 2026-02-02. Review status: criteria provided, single submitter. Criteria: Invitae Variant Classification Sherloc (09022015). Collection method: clinical testing. Allele origin: germline.

Mayo Clinic Laboratories, Mayo Clinic
Classification: Benign. Last evaluated: 2021-12-23. Review status: criteria provided, single submitter. Criteria: ACMG Guidelines, 2015. Collection method: clinical testing. Allele origin: germline. Observed: 14 variant alleles.

Illumina Laboratory Services, Illumina
Classification: Benign for Progressive familial intrahepatic cholestasis type 2. Last evaluated: 2018-01-13. Review status: criteria provided, single submitter. Criteria: ICSL Variant Classification Criteria 13 December 2019. Collection method: clinical testing. Allele origin: germline.
Comment: This variant was observed in the ICSL laboratory as part of a predisposition screen in an ostensibly healthy population. It had not been previously curated by ICSL or reported in the Human Gene Mutation Database (HGMD: prior to June 1st, 2018), and was therefore a candidate for classification through an automated scoring system. Utilizing variant allele frequency, disease prevalence and penetrance estimates, and inheritance mode, an automated score was calculated to assess if this variant is too frequent to cause the disease. Based on the score and internal cut-off values, a variant classified as benign is not then subjected to further curation. The score for this variant resulted in a classification of benign for this disease.

GeneDx
Classification: Benign. Last evaluated: 2016-01-28. Review status: criteria provided, single submitter. Criteria: GeneDx Variant Classification (06012015). Collection method: clinical testing. Allele origin: germline. Affected: yes.
Comment: This variant is considered likely benign or benign based on one or more of the following criteria: it is a conservative change, it occurs at a poorly conserved position in the protein, it is predicted to be benign by multiple in silico algorithms, and/or has population frequency not consistent with disease.

Breakthrough Genomics
Classification: Benign. Review status: criteria provided, single submitter. Criteria: ACMG Guidelines, 2015. Collection method: not provided. Allele origin: germline. Inheritance: Autosomal recessive inheritance. Affected: yes.

PreventionGenetics, part of Exact Sciences
Classification: Benign. Review status: criteria provided, single submitter. Criteria: ACMG Guidelines, 2015. Collection method: clinical testing. Allele origin: germline.

Natera, Inc.
Classification: Benign for Progressive familial intrahepatic cholestasis type 2. Last evaluated: 2020-09-16. Review status: no assertion criteria provided. Collection method: clinical testing. Allele origin: germline. Not counted in ClinVar's aggregate classification.

NM_003742.4(ABCB11):c.2412A>G (p.Ala804=)

Gene: ABCB11 (ATP binding cassette subfamily B member 11; minus strand). Cytogenetic location: 2q31.1.
Variant type: single nucleotide variant.
Coding change: c.2412A>G on transcript NM_003742.4 (MANE Select); coding-DNA position 2412, A replaced by G.
Protein change: p.Ala804=; no amino-acid change (alanine 804 retained).
Molecular consequence: synonymous variant.
Genome position (GRCh38, 1-based): chr2:168,944,893, T>C on the plus strand (A>G on the coding strand, the complement: ABCB11 is on the minus strand). VCF-style: chr2-168944893-T-C. GRCh37 (hg19) VCF-style: chr2-169801403-T-C.
Other names: p.Ala804=; c.2412A>G, p.Ala804= (LRG_1199t1).
Identifiers: ClinVar variation 259149 (VCV000259149.18), dbSNP rs11568373, ClinGen allele CA1951288.